The following is an entry in ClinVar:

NM_138691.3(TMC1):c.1966G>A (p.Val656Met)

Gene: TMC1 (transmembrane channel like 1; plus strand). Cytogenetic location: 9q21.13.
Variant type: single nucleotide variant.
Coding change: c.1966G>A on transcript NM_138691.3 (MANE Select); coding-DNA position 1966, G replaced by A.
Protein change: p.Val656Met; replaces valine 656 with methionine.
Molecular consequence: missense variant.
Genome position (GRCh38, 1-based): chr9:72,821,044, G>A. VCF-style: chr9-72821044-G-A. GRCh37 (hg19) VCF-style: chr9-75435960-G-A.
Other names: short protein forms V656M.
Identifiers: ClinVar variation 1472690 (VCV001472690.9), dbSNP rs144147585, ClinGen allele CA5082102.

ClinVar aggregate classification (germline): Uncertain significance. Review status: criteria provided, multiple submitters, no conflicts (2 of 4 stars). 3 submissions from 3 submitters: Uncertain significance (3). Last evaluated 2025-08-25.

Conditions:
Inborn genetic diseases. Identifiers: MedGen C0950123, MeSH D030342.

Allele frequency attached by ClinVar (database versions not stated): gnomAD exomes 0.00005; gnomAD 0.00006; ExAC 0.00007; TOPMed 0.00008; ESP Exome Variant Server 0.00015.
gnomAD v4.1: 73 of 1,613,984 alleles (0.0045%); highest among the groups gnomAD compares: Middle Eastern, 0.016%; no homozygotes.

Submissions (3):

Ambry Genetics
Classification: Uncertain significance for Inborn genetic diseases. Last evaluated: 2025-08-25. Review status: criteria provided, single submitter. Criteria: Ambry Variant Classification Scheme 2023. Collection method: clinical testing. Allele origin: germline.

Labcorp Genetics (formerly Invitae), Labcorp
Classification: Uncertain significance. Last evaluated: 2025-04-28. Review status: criteria provided, single submitter. Criteria: Invitae Variant Classification Sherloc (09022015). Collection method: clinical testing. Allele origin: germline.
Comment: This sequence change replaces valine, which is neutral and non-polar, with methionine, which is neutral and non-polar, at codon 656 of the TMC1 protein (p.Val656Met). This variant is present in population databases (rs144147585, gnomAD 0.01%). This variant has not been reported in the literature in individuals affected with TMC1-related conditions. ClinVar contains an entry for this variant (Variation ID: 1472690). Invitae Evidence Modeling of protein sequence and biophysical properties (such as structural, functional, and spatial information, amino acid conservation, physicochemical variation, residue mobility, and thermodynamic stability) indicates that this missense variant is not expected to disrupt TMC1 protein function with a negative predictive value of 80%. In summary, the available evidence is currently insufficient to determine the role of this variant in disease. Therefore, it has been classified as a Variant of Uncertain Significance.

GeneDx
Classification: Uncertain significance. Last evaluated: 2023-09-27. Review status: criteria provided, single submitter. Criteria: GeneDx Variant Classification Process June 2021. Collection method: clinical testing. Allele origin: germline. Affected: yes.
Comment: In silico analysis supports that this missense variant does not alter protein structure/function; Has not been previously published as pathogenic or benign to our knowledge